The following is an entry in ClinVar:

NM_016284.5(CNOT1):c.637+3A>G

Gene: CNOT1 (CCR4-NOT transcription complex subunit 1; minus strand). Cytogenetic location: 16q21.
Variant type: single nucleotide variant.
Coding change: c.637+3A>G on transcript NM_016284.5 (MANE Select); 3 bases into the intron after coding-DNA position 637, A replaced by G.
Molecular consequence: intron variant.
Genome position (GRCh38, 1-based): chr16:58,586,542, T>C on the plus strand (A>G on the coding strand, the complement: CNOT1 is on the minus strand). VCF-style: chr16-58586542-T-C. GRCh37 (hg19) VCF-style: chr16-58620446-T-C.
Other names: c.637+3A>G (NM_001265612.2, NM_206999.3).
Identifiers: ClinVar variation 2039398 (VCV002039398.9), dbSNP rs372490398, ClinGen allele CA8090121.
Genomic context (GRCh38, chr16:58,586,542, plus strand): 5'-TTTGTGATGTGTCTGTGGTCATCCAAGAAAACCACCCACTGTAGGCTACAAAGACTCCCT[T>C]ACCTCTGCGCAGCGTCTTAAGAAAAGCGTCTATCTGTTCTTGTCCAACTCCAAAGGCTCC-3'

ClinVar aggregate classification (germline): Likely benign. Review status: criteria provided, multiple submitters, no conflicts (2 of 4 stars). 2 submissions from 2 submitters: Likely benign (2). Last evaluated 2026-01-12.

Allele frequency attached by ClinVar (database versions not stated): gnomAD 0.00008; gnomAD exomes 0.00008; ESP Exome Variant Server 0.00015; TOPMed 0.00016; ExAC 0.00034.
gnomAD v4.1: 121 of 1,608,578 alleles (0.0075%); highest among the groups gnomAD compares: Admixed American, 0.14%; no homozygotes.

Submissions (2):

Labcorp Genetics (formerly Invitae), Labcorp
Classification: Likely benign. Last evaluated: 2026-01-12. Review status: criteria provided, single submitter. Criteria: Invitae Variant Classification Sherloc (09022015). Collection method: clinical testing. Allele origin: germline.

CeGaT Center for Human Genetics Tuebingen
Classification: Likely benign. Last evaluated: 2025-12-01. Review status: criteria provided, single submitter. Criteria: CeGaT Center For Human Genetics Tuebingen Variant Classification Criteria Version 2. Collection method: clinical testing. Allele origin: germline. Affected: yes. Observed: 1 variant allele.
Comment: CNOT1: BP4, BS1